The following is an entry in ClinVar:

ClinVar aggregate classification (germline): Conflicting classifications of pathogenicity. Review status: criteria provided, conflicting classifications (1 of 4 stars). 2 submissions from 2 submitters: Uncertain significance (1); Likely benign (1). Last evaluated 2025-10-12.

Conditions:
Inborn genetic diseases. Identifiers: MedGen C0950123, MeSH D030342.

Allele frequency attached by ClinVar (database versions not stated): gnomAD exomes 0.00003 and 0.00005; TOPMed 0.00003; ExAC 0.00005; gnomAD 0.00006 and 0.00007; 1000 Genomes Project 30x 0.00016; 1000 Genomes Project 0.00020.
gnomAD v4.1: 79 of 1,554,108 alleles (0.0051%); highest among the groups gnomAD compares: Middle Eastern, 0.022%; no homozygotes.

Submissions (2):

Labcorp Genetics (formerly Invitae), Labcorp
Classification: Uncertain significance. Last evaluated: 2025-10-12. Review status: criteria provided, single submitter. Criteria: Invitae Variant Classification Sherloc (09022015). Collection method: clinical testing. Allele origin: germline.
Comment: This sequence change replaces alanine, which is neutral and non-polar, with threonine, which is neutral and polar, at codon 84 of the NLRP1 protein (p.Ala84Thr). The frequency data for this variant in the population databases is considered unreliable, as metrics indicate poor data quality at this position in the gnomAD database. This variant has not been reported in the literature in individuals affected with NLRP1-related conditions. ClinVar contains an entry for this variant (Variation ID: 1419992). An algorithm developed to predict the effect of missense changes on protein structure and function outputs the following: PolyPhen-2: "Benign". The threonine amino acid residue is found in multiple mammalian species, which suggests that this missense change does not adversely affect protein function. Experimental studies have shown that this missense change does not substantially affect NLRP1 function (PMID: 27662089). In summary, the available evidence is currently insufficient to determine the role of this variant in disease. Therefore, it has been classified as a Variant of Uncertain Significance.

Ambry Genetics
Classification: Likely benign for Inborn genetic diseases. Last evaluated: 2025-01-27. Review status: criteria provided, single submitter. Criteria: Ambry Variant Classification Scheme 2023. Collection method: clinical testing. Allele origin: germline.

Literature cited by the submitters: PubMed 27662089 (cited by Labcorp Genetics (formerly Invitae), Labcorp).

NM_033004.4(NLRP1):c.250G>A (p.Ala84Thr)

Gene: NLRP1 (NLR family pyrin domain containing 1; minus strand). Cytogenetic location: 17p13.2.
Variant type: single nucleotide variant.
Coding change: c.250G>A on transcript NM_033004.4 (MANE Select); coding-DNA position 250, G replaced by A.
Protein change: p.Ala84Thr; replaces alanine 84 with threonine.
Molecular consequence: missense variant.
Genome position (GRCh38, 1-based): chr17:5,583,708, C>T on the plus strand (G>A on the coding strand, the complement: NLRP1 is on the minus strand). VCF-style: chr17-5583708-C-T. GRCh37 (hg19) VCF-style: chr17-5487028-C-T.
Other names: c.250G>A, p.Ala84Thr (NM_001033053.3, NM_014922.5, NM_033006.4 and 1 more transcripts); c.250G>A (NM_033004.3); short protein forms A84T.
Identifiers: ClinVar variation 1419992 (VCV001419992.7), dbSNP rs202167110, ClinGen allele CA8327635.